The following is an entry in ClinVar:

ClinVar aggregate classification (germline): Uncertain significance (1 of 4 stars; one submission).

gnomAD v4.1: 15 of 1,583,290 alleles (0.00095%); highest among the groups gnomAD compares: Non-Finnish European, 0.0012%; no homozygotes.

Submission:

Labcorp Genetics (formerly Invitae), Labcorp
Classification: Uncertain significance. Last evaluated: 2024-10-10. Review status: criteria provided, single submitter. Criteria: Invitae Variant Classification Sherloc (09022015). Collection method: clinical testing. Allele origin: germline.
Comment: This sequence change replaces valine, which is neutral and non-polar, with alanine, which is neutral and non-polar, at codon 2200 of the KMT2B protein (p.Val2200Ala). This variant is present in population databases (rs749037541, gnomAD 0.002%). This variant has not been reported in the literature in individuals affected with KMT2B-related conditions. Invitae Evidence Modeling of protein sequence and biophysical properties (such as structural, functional, and spatial information, amino acid conservation, physicochemical variation, residue mobility, and thermodynamic stability) indicates that this missense variant is not expected to disrupt KMT2B protein function with a negative predictive value of 80%. In summary, the available evidence is currently insufficient to determine the role of this variant in disease. Therefore, it has been classified as a Variant of Uncertain Significance.

NM_014727.3(KMT2B):c.6599T>C (p.Val2200Ala)

Gene: KMT2B (lysine methyltransferase 2B; plus strand). Cytogenetic location: 19q13.12.
Variant type: single nucleotide variant.
Coding change: c.6599T>C on transcript NM_014727.3 (MANE Select); coding-DNA position 6599, T replaced by C.
Protein change: p.Val2200Ala; replaces valine 2200 with alanine.
Molecular consequence: missense variant.
Genome position (GRCh38, 1-based): chr19:35,733,148, T>C. VCF-style: chr19-35733148-T-C. GRCh37 (hg19) VCF-style: chr19-36224049-T-C.
Other names: short protein forms V2200A.
Identifiers: ClinVar variation 3607836 (VCV003607836.2).